The following is an entry in ClinVar:

NM_022828.5(YTHDC2):c.2639G>A (p.Arg880His)

Gene: YTHDC2 (YTH N6-methyladenosine RNA binding protein C2; plus strand). Cytogenetic location: 5q22.2.
Variant type: single nucleotide variant.
Coding change: c.2639G>A on transcript NM_022828.5 (MANE Select); coding-DNA position 2639, G replaced by A.
Protein change: p.Arg880His; replaces arginine 880 with histidine.
Molecular consequence: missense variant.
Genome position (GRCh38, 1-based): chr5:113,564,055, G>A. VCF-style: chr5-113564055-G-A. GRCh37 (hg19) VCF-style: chr5-112899752-G-A.
Other names: c.2153G>A, p.Arg718His (NM_001345975.2); c.1739G>A, p.Arg580His (NM_001345976.2); short protein forms R580H, R718H, R880H.
Identifiers: ClinVar variation 2655640 (VCV002655640.24), dbSNP rs143148329, ClinGen allele CA3372204.

ClinVar aggregate classification (germline): Likely benign (1 of 4 stars; one submission).

Allele frequency attached by ClinVar (database versions not stated): 1000 Genomes Project 30x 0.00078; 1000 Genomes Project 0.00080; TOPMed 0.00124; gnomAD 0.00132; ESP Exome Variant Server 0.00138; ExAC 0.00161.
gnomAD v4.1: 3,366 of 1,614,098 alleles (0.21%); highest among the groups gnomAD compares: Non-Finnish European, 0.25%; 7 homozygotes.

Submission:

CeGaT Center for Human Genetics Tuebingen
Classification: Likely benign. Last evaluated: 2022-11-01. Review status: criteria provided, single submitter. Criteria: CeGaT Center For Human Genetics Tuebingen Variant Classification Criteria Version 2. Collection method: clinical testing. Allele origin: germline. Affected: yes. Observed: 1 variant allele.
Comment: YTHDC2: BS2